The following is an entry in ClinVar:

NM_014014.5(SNRNP200):c.3512G>C (p.Gly1171Ala)

Gene: SNRNP200 (small nuclear ribonucleoprotein U5 subunit 200; minus strand). Cytogenetic location: 2q11.2.
Variant type: single nucleotide variant.
Coding change: c.3512G>C on transcript NM_014014.5 (MANE Select); coding-DNA position 3512, G replaced by C.
Protein change: p.Gly1171Ala; replaces glycine 1171 with alanine.
Molecular consequence: missense variant.
Genome position (GRCh38, 1-based): chr2:96,287,133, C>G on the plus strand (G>C on the coding strand, the complement: SNRNP200 is on the minus strand). VCF-style: chr2-96287133-C-G. GRCh37 (hg19) VCF-style: chr2-96952871-C-G.
Other names: short protein forms G1171A.
Identifiers: ClinVar variation 4534895 (VCV004534895.6).

ClinVar aggregate classification (germline): Uncertain significance (1 of 4 stars; one submission).

Submission:

CeGaT Center for Human Genetics Tuebingen
Classification: Uncertain significance. Last evaluated: 2025-10-01. Review status: criteria provided, single submitter. Criteria: CeGaT Center For Human Genetics Tuebingen Variant Classification Criteria Version 2. Collection method: clinical testing. Allele origin: germline. Affected: yes. Observed: 1 variant allele.
Comment: SNRNP200: PM2